The following is an entry in ClinVar:

ClinVar aggregate classification (germline): Uncertain significance. Review status: criteria provided, multiple submitters, no conflicts (2 of 4 stars). 4 submissions from 4 submitters: Uncertain significance (4). Last evaluated 2025-02-02.

Conditions:
Hereditary cancer-predisposing syndrome. Also called: Hereditary Cancer Syndrome; Neoplastic Syndromes, Hereditary; Tumor predisposition; Hereditary neoplastic syndrome. Identifiers: Orphanet 140162, MedGen C0027672, MeSH D009386, MONDO:0015356.
Lynch syndrome. Identifiers: Orphanet 144, MedGen C4552100, MONDO:0005835. Disease mechanism: loss of function.
Hereditary nonpolyposis colorectal neoplasms. Identifiers: MedGen C0009405, MeSH D003123.

Submissions (4):

Ambry Genetics
Classification: Uncertain significance for Hereditary cancer-predisposing syndrome. Last evaluated: 2025-02-02. Review status: criteria provided, single submitter. Criteria: Ambry Variant Classification Scheme 2023. Collection method: clinical testing. Allele origin: germline.
Comment: The p.P982A variant (also known as c.2944C>G), located in coding exon 4 of the MSH6 gene, results from a C to G substitution at nucleotide position 2944. The proline at codon 982 is replaced by alanine, an amino acid with highly similar properties. This amino acid position is highly conserved in available vertebrate species. In addition, the in silico prediction for this alteration is inconclusive. Since supporting evidence is limited at this time, the clinical significance of this alteration remains unclear.

Color Diagnostics, LLC DBA Color Health
Classification: Uncertain significance for Hereditary cancer-predisposing syndrome. Last evaluated: 2023-12-05. Review status: criteria provided, single submitter. Criteria: ACMG Guidelines, 2015. Collection method: clinical testing. Allele origin: germline.
Comment: This missense variant replaces proline with alanine at codon 982 of the MSH6 protein. Computational prediction tools and conservation analyses suggest that this variant may have deleterious impact on the protein function. Computational splicing tools suggest that this variant may not impact RNA splicing. To our knowledge, functional assays have not been performed for this variant nor has this variant been reported in individuals affected with hereditary cancer in the literature. This variant has not been identified in the general population by the Genome Aggregation Database (gnomAD). Available evidence is insufficient to determine the role of this variant in disease conclusively. Therefore, this variant is classified as a Variant of Uncertain Significance.

Department of Pathology and Laboratory Medicine, Sinai Health System
Classification: Uncertain significance for Lynch syndrome. Last evaluated: 2022-09-26. Review status: criteria provided, single submitter. Criteria: ACMG Guidelines, 2015. Collection method: clinical testing. Allele origin: germline. Affected: yes.

Labcorp Genetics (formerly Invitae), Labcorp
Classification: Uncertain significance for Hereditary nonpolyposis colorectal neoplasms. Last evaluated: 2021-09-21. Review status: criteria provided, single submitter. Criteria: Invitae Variant Classification Sherloc (09022015). Collection method: clinical testing. Allele origin: germline.
Comment: This sequence change replaces proline with alanine at codon 982 of the MSH6 protein (p.Pro982Ala). The proline residue is highly conserved and there is a small physicochemical difference between proline and alanine. This variant is not present in population databases (ExAC no frequency). This variant has not been reported in the literature in individuals affected with MSH6-related conditions. Algorithms developed to predict the effect of missense changes on protein structure and function (SIFT, PolyPhen-2, Align-GVGD) all suggest that this variant is likely to be disruptive. In summary, the available evidence is currently insufficient to determine the role of this variant in disease. Therefore, it has been classified as a Variant of Uncertain Significance.

NM_000179.3(MSH6):c.2944C>G (p.Pro982Ala)

Gene: MSH6 (mutS homolog 6; plus strand). Cytogenetic location: 2p16.3.
Variant type: single nucleotide variant.
Coding change: c.2944C>G on transcript NM_000179.3 (MANE Select); coding-DNA position 2944, C replaced by G.
Protein change: p.Pro982Ala; replaces proline 982 with alanine.
Molecular consequence: missense variant.
Genome position (GRCh38, 1-based): chr2:47,800,927, C>G. VCF-style: chr2-47800927-C-G. GRCh37 (hg19) VCF-style: chr2-48028066-C-G.
Other names: c.2554C>G, p.Pro852Ala (NM_001281492.2); c.2038C>G, p.Pro680Ala (NM_001281493.2, NM_001281494.2); short protein forms P982A, P680A, P852A.
Identifiers: ClinVar variation 479895 (VCV000479895.16), dbSNP rs1553414320, ClinGen allele CA346756228.